The following is an entry in ClinVar:

NM_001283009.2(RTEL1):c.301+1G>C

Genes: RTEL1 (regulator of telomere elongation helicase 1; plus strand), RTEL1-TNFRSF6B (RTEL1-TNFRSF6B readthrough (NMD candidate); plus strand). Cytogenetic location: 20q13.33.
Variant type: single nucleotide variant.
Coding change: c.301+1G>C on transcript NM_001283009.2 (MANE Select); the canonical splice donor site of the intron after coding-DNA position 301, G replaced by C.
Molecular consequence: splice donor variant.
Genome position (GRCh38, 1-based): chr20:63,661,497, G>C. VCF-style: chr20-63661497-G-C. GRCh37 (hg19) VCF-style: chr20-62292850-G-C.
Other names: c.-369+1G>C (NM_001283010.1); c.301+1G>C (NM_032957.5, NM_016434.4).
Identifiers: ClinVar variation 3759653 (VCV003759653.2).

ClinVar aggregate classification (germline): Likely pathogenic (1 of 4 stars; one submission).

Conditions:
Dyskeratosis congenita, autosomal recessive 5 (DKCB5). Identifiers: MedGen C3554656, MONDO:0014076, OMIM 615190.
Pulmonary fibrosis and/or bone marrow failure, Telomere-related, 3. Also called: PULMONARY FIBROSIS AND/OR BONE MARROW FAILURE SYNDROME, TELOMERE-RELATED, 3. Identifiers: Orphanet 2032, MedGen C4225346, MONDO:0014613, OMIM 616373.

Submission:

Labcorp Genetics (formerly Invitae), Labcorp
Classification: Likely pathogenic for Dyskeratosis congenita, autosomal recessive 5; Pulmonary fibrosis and/or bone marrow failure, Telomere-related, 3. Last evaluated: 2024-10-30. Review status: criteria provided, single submitter. Criteria: Invitae Variant Classification Sherloc (09022015). Collection method: clinical testing. Allele origin: germline.
Comment: This sequence change affects a donor splice site in intron 3 of the RTEL1 gene. It is expected to disrupt RNA splicing. Variants that disrupt the donor or acceptor splice site typically lead to a loss of protein function (PMID: 16199547), and loss-of-function variants in RTEL1 are known to be pathogenic (PMID: 23453664, 23959892, 25607374). This variant is not present in population databases (gnomAD no frequency). This variant has not been reported in the literature in individuals affected with RTEL1-related conditions. Algorithms developed to predict the effect of sequence changes on RNA splicing suggest that this variant may disrupt the consensus splice site. In summary, the currently available evidence indicates that the variant is pathogenic, but additional data are needed to prove that conclusively. Therefore, this variant has been classified as Likely Pathogenic.

Literature cited by the submitters: PubMed 16199547; PubMed 23453664; PubMed 23959892; PubMed 25607374.